The following is an entry in ClinVar:

ClinVar aggregate classification (germline): Uncertain significance. Review status: criteria provided, multiple submitters, no conflicts (2 of 4 stars). 3 submissions from 3 submitters: Uncertain significance (3). Last evaluated 2026-03-31.

Conditions:
LSR-related condition.

gnomAD v4.1: 57 of 1,614,096 alleles (0.0035%); highest among the groups gnomAD compares: African/African-American, 0.053%; no homozygotes.

Submissions (3):

PreventionGenetics, part of Exact Sciences
Classification: Uncertain significance for LSR-related condition. Last evaluated: 2026-03-31. Review status: criteria provided, single submitter. Criteria: ACMG Guidelines, 2015. Collection method: clinical testing. Allele origin: germline.
Comment: The LSR c.787G>A variant is predicted to result in the amino acid substitution p.Val263Met. To our knowledge, this variant has not been reported in the literature. This variant is reported in 0.044% of alleles in individuals of African descent in gnomAD. At this time, the clinical significance of this variant is uncertain due to the absence of conclusive functional and genetic evidence.

Labcorp Genetics (formerly Invitae), Labcorp
Classification: Uncertain significance. Last evaluated: 2025-08-20. Review status: criteria provided, single submitter. Criteria: Invitae Variant Classification Sherloc (09022015). Collection method: clinical testing. Allele origin: germline.
Comment: This sequence change replaces valine, which is neutral and non-polar, with methionine, which is neutral and non-polar, at codon 263 of the LSR protein (p.Val263Met). This variant is present in population databases (rs146621625, gnomAD 0.05%). This variant has not been reported in the literature in individuals affected with LSR-related conditions. ClinVar contains an entry for this variant (Variation ID: 3292172). An algorithm developed to predict the effect of missense changes on protein structure and function (PolyPhen-2) suggests that this variant is likely to be disruptive. In summary, the available evidence is currently insufficient to determine the role of this variant in disease. Therefore, it has been classified as a Variant of Uncertain Significance.

Ambry Genetics
Classification: Uncertain significance. Last evaluated: 2024-04-27. Review status: criteria provided, single submitter. Criteria: Ambry Variant Classification Scheme 2023. Collection method: clinical testing. Allele origin: germline.

NM_205834.4(LSR):c.643G>A (p.Val215Met)

Gene: LSR (lipolysis stimulated lipoprotein receptor; plus strand). Cytogenetic location: 19q13.12.
Variant type: single nucleotide variant.
Coding change: c.643G>A on transcript NM_205834.4 (MANE Select); coding-DNA position 643, G replaced by A.
Protein change: p.Val215Met; replaces valine 215 with methionine.
Molecular consequence: missense variant. On other transcripts: intron variant (3).
Genome position (GRCh38, 1-based): chr19:35,262,557, G>A. VCF-style: chr19-35262557-G-A. GRCh37 (hg19) VCF-style: chr19-35753460-G-A.
Other names: c.586G>A, p.Val196Met (NM_001260489.2, NM_015925.7); c.574+3493G>A (NM_205835.4, NM_001385215.1); c.455-3802G>A (NM_001260490.2); c.787G>A (NM_205834.3); short protein forms V196M, V215M.
Identifiers: ClinVar variation 3292172 (VCV003292172.3).